The following is an entry in ClinVar:

NM_000352.6(ABCC8):c.1672-20A>T

Gene: ABCC8 (ATP binding cassette subfamily C member 8; minus strand). Cytogenetic location: 11p15.1.
Variant type: single nucleotide variant.
Coding change: c.1672-20A>T on transcript NM_000352.6 (MANE Select); 20 bases into the intron before coding-DNA position 1672, A replaced by T.
Molecular consequence: intron variant.
Genome position (GRCh38, 1-based): chr11:17,430,979, T>A on the plus strand (A>T on the coding strand, the complement: ABCC8 is on the minus strand). VCF-style: chr11-17430979-T-A. GRCh37 (hg19) VCF-style: chr11-17452526-T-A.
Other names: c.1669-20A>T (NM_001351297.2, NM_001351296.2); c.1672-20A>T (NM_001351295.2, NM_001287174.3).
Identifiers: ClinVar variation 991049 (VCV000991049.8), dbSNP rs931436550, ClinGen allele CA218442800.

ClinVar aggregate classification (germline): Conflicting classifications of pathogenicity. Review status: criteria provided, conflicting classifications (1 of 4 stars). 4 submissions from 4 submitters: Likely pathogenic (1); Uncertain significance (1); Likely benign (1). 1 of the submissions does not count toward it. Last evaluated 2026-04-20.

Conditions:
Hyperinsulinemic hypoglycemia, familial, 1 (HHF1). Also called: Persistent Hyperinsulinemia Hypoglycemia of Infancy; Persistent hyperinsulinemic hypoglycemia of infancy; HYPERINSULINISM, FAMILIAL, WITH PANCREATIC NESIDIOBLASTOSIS; HYPOGLYCEMIA, HYPERINSULINEMIC, OF INFANCY; NESIDIOBLASTOSIS OF PANCREAS. Identifiers: Orphanet 276575, Orphanet 276598, MedGen C2931832, MONDO:0009734, OMIM 256450.
Hereditary hyperinsulinism.

Allele frequency attached by ClinVar (database versions not stated): TOPMed 0.00001.

Submissions (4):

GeneDx
Classification: Likely pathogenic. Last evaluated: 2026-04-20. Review status: criteria provided, single submitter. Criteria: GeneDx Variant Classification Process June 2021. Collection method: clinical testing. Allele origin: germline.
Comment: Not observed at significant frequency in large population cohorts (gnomAD); In silico analysis suggests that this variant does not alter splicing; This variant is associated with the following publications: (PMID: 32027066, 8751851, 34740273)

Myriad Genetics, Inc.
Classification: Uncertain significance for Hyperinsulinemic hypoglycemia, familial, 1. Last evaluated: 2025-12-10. Review status: criteria provided, single submitter. Criteria: Myriad Autosomal Dominant, Autosomal Recessive and X-Linked Classification Criteria (2023). Collection method: clinical testing. Allele origin: unknown.
Comment: NM_000352.3(ABCC8):c.1672-20A>T is a missense variant classified as a variant of uncertain significance in the context of familial hyperinsulinism, ABCC8-related. c.1672-20A>T has been observed in a case with relevant disease (PMID: 32027066). Relevant functional assessments of this variant are not available in the literature. c.1672-20A>T has not been observed in referenced population frequency databases. In summary, there is insufficient evidence to classify NM_000352.3(ABCC8):c.1672-20A>T as pathogenic or benign. Please note: this variant was assessed in the context of healthy population screening.

Labcorp Genetics (formerly Invitae), Labcorp
Classification: Likely benign. Last evaluated: 2023-12-28. Review status: criteria provided, single submitter. Criteria: Invitae Variant Classification Sherloc (09022015). Collection method: clinical testing. Allele origin: germline.

Natera, Inc.
Classification: Uncertain significance for Hereditary hyperinsulinism. Last evaluated: 2020-04-10. Review status: no assertion criteria provided. Collection method: clinical testing. Allele origin: germline. Not counted in ClinVar's aggregate classification.

Literature cited by the submitters: PubMed 32027066 (cited by Myriad Genetics, Inc.).